The following is an entry in ClinVar:

ClinVar aggregate classification (germline): Uncertain significance (1 of 4 stars; one submission).

Allele frequency attached by ClinVar (database versions not stated): gnomAD exomes below 0.00001.

Submission:

GeneDx
Classification: Uncertain significance. Last evaluated: 2022-03-02. Review status: criteria provided, single submitter. Criteria: GeneDx Variant Classification Process June 2021. Collection method: clinical testing. Allele origin: germline. Affected: yes.
Comment: Not observed at significant frequency in large population cohorts (gnomAD); In silico analysis supports that this missense variant has a deleterious effect on protein structure/function; Has not been previously published as pathogenic or benign to our knowledge

NM_001378609.3(OTOGL):c.1882G>A (p.Asp628Asn)

Gene: OTOGL (otogelin like; plus strand). Cytogenetic location: 12q21.31.
Variant type: single nucleotide variant.
Coding change: c.1882G>A on transcript NM_001378609.3 (MANE Select); coding-DNA position 1882, G replaced by A.
Protein change: p.Asp628Asn; replaces aspartic acid 628 with asparagine.
Molecular consequence: missense variant.
Genome position (GRCh38, 1-based): chr12:80,257,995, G>A. VCF-style: chr12-80257995-G-A. GRCh37 (hg19) VCF-style: chr12-80651775-G-A.
Other names: c.1882G>A, p.Asp628Asn (NM_001368062.3, NM_001378610.3, NM_173591.7); short protein forms D628N.
Identifiers: ClinVar variation 1704156 (VCV001704156.2), dbSNP rs1225097280, ClinGen allele CA385854417.